The following is an entry in ClinVar:

NM_001378778.1(MPDZ):c.3887G>A (p.Ser1296Asn)

Gene: MPDZ (multiple PDZ domain crumbs cell polarity complex component; minus strand). Cytogenetic location: 9p23.
Variant type: single nucleotide variant.
Coding change: c.3887G>A on transcript NM_001378778.1 (MANE Select); coding-DNA position 3887, G replaced by A.
Protein change: p.Ser1296Asn; replaces serine 1296 with asparagine.
Molecular consequence: missense variant.
Genome position (GRCh38, 1-based): chr9:13,140,103, C>T on the plus strand (G>A on the coding strand, the complement: MPDZ is on the minus strand). VCF-style: chr9-13140103-C-T. GRCh37 (hg19) VCF-style: chr9-13140102-C-T.
Other names: c.3788G>A, p.Ser1263Asn (NM_001261406.2, NM_001261407.2, NM_001375416.1 and 3 more transcripts); c.3887G>A, p.Ser1296Asn (NM_001330637.2, NM_001375413.1, NM_003829.5); c.3677G>A, p.Ser1226Asn (NM_001375420.1, NM_001375421.1, NM_001375422.1 and 4 more transcripts); c.3479G>A, p.Ser1160Asn (NM_001375427.1); short protein forms S1160N, S1296N, S1226N, S1263N.
Identifiers: ClinVar variation 1512922 (VCV001512922.8), dbSNP rs573216666, ClinGen allele CA189300577.
Genomic context (GRCh38, chr9:13,140,103, plus strand): 5'-GATGACTGTGTGTGATCACTACCCATTTCGGCAAAGGCTGAAGGAGGGGGTGGGGGCACA[C>T]TGCACAATGGAGCCTTCTCTGGCTCTGACTCTGACTGACTGGGTGCCTGTGGGAACAAAA-3'
Protein context (NP_001365707.1, residues 1286-1306): ESEPEKAPLC[Ser1296Asn]VPPPPPSAFA

ClinVar aggregate classification (germline): Uncertain significance (1 of 4 stars; one submission).

Allele frequency attached by ClinVar (database versions not stated): gnomAD exomes below 0.00001.
gnomAD v4.1: 5 of 1,613,460 alleles (0.00031%); highest among the groups gnomAD compares: Non-Finnish European, 0.00042%; no homozygotes.

Submission:

Labcorp Genetics (formerly Invitae), Labcorp
Classification: Uncertain significance. Last evaluated: 2021-03-23. Review status: criteria provided, single submitter. Criteria: Invitae Variant Classification Sherloc (09022015). Collection method: clinical testing. Allele origin: germline.
Comment: Algorithms developed to predict the effect of missense changes on protein structure and function output the following: SIFT: "Tolerated"; PolyPhen-2: "Benign"; Align-GVGD: "Class C0". The asparagine amino acid residue is found in multiple mammalian species, suggesting that this missense change does not adversely affect protein function. These predictions have not been confirmed by published functional studies and their clinical significance is uncertain. This variant has not been reported in the literature in individuals with MPDZ-related conditions. This variant is not present in population databases (ExAC no frequency). This sequence change replaces serine with asparagine at codon 1296 of the MPDZ protein (p.Ser1296Asn). The serine residue is weakly conserved and there is a small physicochemical difference between serine and asparagine. In summary, the available evidence is currently insufficient to determine the role of this variant in disease. Therefore, it has been classified as a Variant of Uncertain Significance.